The following is an entry in ClinVar:

ClinVar aggregate classification (germline): Likely pathogenic (1 of 4 stars; one submission).

Conditions:
Autosomal recessive limb-girdle muscular dystrophy type 2O. Also called: Limb-Girdle Muscular Dystrophy Type 3C; MUSCULAR DYSTROPHY-DYSTROGLYCANOPATHY (LIMB-GIRDLE), TYPE C, 3; MUSCULAR DYSTROPHY-DYSTROGLYCANOPATHY, LIMB-GIRDLE, POMGNT1-RELATED. Identifiers: Orphanet 206564, MedGen C3150417, MONDO:0013161, OMIM 613157.
Muscular dystrophy-dystroglycanopathy (congenital with impaired intellectual development), type B, 3. Also called: MUSCULAR DYSTROPHY, CONGENITAL, POMGNT1-RELATED; Muscular dystrophy-dystroglycanopathy (congenital with intellectual disability), type B3. Identifiers: MedGen C3150412, MONDO:0013155, OMIM 613151.

Allele frequency attached by ClinVar (database versions not stated): gnomAD 0.00001; gnomAD exomes below 0.00001; TOPMed below 0.00001.
gnomAD v4.1: 9 of 1,614,086 alleles (0.00056%); highest among the groups gnomAD compares: East Asian, 0.0022%; no homozygotes.

Submission:

Labcorp Genetics (formerly Invitae), Labcorp
Classification: Likely pathogenic for Autosomal recessive limb-girdle muscular dystrophy type 2O; Muscular dystrophy-dystroglycanopathy (congenital with impaired intellectual development), type B, 3. Last evaluated: 2023-08-04. Review status: criteria provided, single submitter. Criteria: Invitae Variant Classification Sherloc (09022015). Collection method: clinical testing. Allele origin: germline.
Comment: In summary, the currently available evidence indicates that the variant is pathogenic, but additional data are needed to prove that conclusively. Therefore, this variant has been classified as Likely Pathogenic. This variant disrupts the p.Gly448 amino acid residue in POMGNT1. Other variant(s) that disrupt this residue have been determined to be pathogenic (PMID: 21727005). This suggests that this residue is clinically significant, and that variants that disrupt this residue are likely to be disease-causing. Advanced modeling of protein sequence and biophysical properties (such as structural, functional, and spatial information, amino acid conservation, physicochemical variation, residue mobility, and thermodynamic stability) performed at Invitae indicates that this missense variant is expected to disrupt POMGNT1 protein function. ClinVar contains an entry for this variant (Variation ID: 1984439). This variant has not been reported in the literature in individuals affected with POMGNT1-related conditions. This variant is present in population databases (no rsID available, gnomAD 0.03%). This sequence change replaces glycine, which is neutral and non-polar, with glutamic acid, which is acidic and polar, at codon 448 of the POMGNT1 protein (p.Gly448Glu).

Literature cited by the submitters: PubMed 21727005.

NM_017739.4(POMGNT1):c.1343G>A (p.Gly448Glu)

Genes: POMGNT1 (protein O-linked mannose N-acetylglucosaminyltransferase 1 (beta 1,2-); minus strand), TSPAN1 (tetraspanin 1; plus strand). Cytogenetic location: 1p34.1.
Variant type: single nucleotide variant.
Coding change: c.1343G>A on transcript NM_017739.4 (MANE Select); coding-DNA position 1343, G replaced by A.
Protein change: p.Gly448Glu; replaces glycine 448 with glutamic acid.
Molecular consequence: missense variant.
Genome position (GRCh38, 1-based): chr1:46,192,378, C>T on the plus strand (G>A on the coding strand, the complement: POMGNT1 is on the minus strand). VCF-style: chr1-46192378-C-T. GRCh37 (hg19) VCF-style: chr1-46658050-C-T.
Other names: c.1343G>A, p.Gly448Glu (NM_001243766.2, NM_001410783.1); c.1277G>A, p.Gly426Glu (NM_001290129.3); c.914G>A, p.Gly305Glu (NM_001290130.2); short protein forms G305E, G426E, G448E.
Identifiers: ClinVar variation 1984439 (VCV001984439.4), dbSNP rs1226108463, ClinGen allele CA340175384.